The following is an entry in ClinVar:

ClinVar aggregate classification (germline): Likely benign. Review status: criteria provided, multiple submitters, no conflicts (2 of 4 stars). 2 submissions from 2 submitters: Likely benign (2). Last evaluated 2025-08-26.

Conditions:
Early-infantile DEE. Also called: Ohtahara syndrome; Early infantile epileptic encephalopathy with suppression bursts; Early infantile epileptic encephalopathy. Identifiers: Orphanet 1934, MedGen C0393706, MONDO:0800491.

Allele frequency attached by ClinVar (database versions not stated): gnomAD exomes 0.00002 and 0.00009; ExAC 0.00003; gnomAD 0.00006; TOPMed 0.00008; ESP Exome Variant Server 0.00016.
gnomAD v4.1: 142 of 1,608,500 alleles (0.0088%); highest among the groups gnomAD compares: Non-Finnish European, 0.011%; no homozygotes.

Submissions (2):

Labcorp Genetics (formerly Invitae), Labcorp
Classification: Likely benign for Early-infantile DEE. Last evaluated: 2025-08-26. Review status: criteria provided, single submitter. Criteria: Invitae Variant Classification Sherloc (09022015). Collection method: clinical testing. Allele origin: germline.

GeneDx
Classification: Likely benign. Last evaluated: 2015-11-05. Review status: criteria provided, single submitter. Criteria: GeneDx Variant Classification (06012015). Collection method: clinical testing. Allele origin: germline. Affected: yes.
Comment: This variant is considered likely benign or benign based on one or more of the following criteria: it is a conservative change, it occurs at a poorly conserved position in the protein, it is predicted to be benign by multiple in silico algorithms, and/or has population frequency not consistent with disease.

NM_001330260.2(SCN8A):c.615-143G>A

Gene: SCN8A (sodium voltage-gated channel alpha subunit 8; plus strand). Cytogenetic location: 12q13.13.
Variant type: single nucleotide variant.
Coding change: c.615-143G>A on transcript NM_001330260.2 (MANE Select); 143 bases into the intron before coding-DNA position 615, G replaced by A.
Molecular consequence: intron variant.
Genome position (GRCh38, 1-based): chr12:51,688,862, G>A. VCF-style: chr12-51688862-G-A. GRCh37 (hg19) VCF-style: chr12-52082646-G-A.
Other names: c.706+13G>A (NM_014191.4, NM_001177984.3); c.615-143G>A (NM_001369788.1).
Identifiers: ClinVar variation 381251 (VCV000381251.9), dbSNP rs376385273, ClinGen allele CA6571103.
Genomic context (GRCh38, chr12:51,688,862, plus strand): 5'-GCACTTTCAGGGTACTGAGGGCTTTGAAAACTATTTCGGTAATCCCAGGTAAGATGGTCC[G>A]GGGTTGGTGTTAGGTGTTGGGATAGGGCCCTGACGTGACGTATTGTACTTTTTGTTTTGT-3'